The following is an entry in ClinVar:

ClinVar aggregate classification (germline): Uncertain significance (1 of 4 stars; one submission).

Submission:

GeneDx
Classification: Uncertain significance. Last evaluated: 2024-07-19. Review status: criteria provided, single submitter. Criteria: GeneDx Variant Classification Process June 2021. Collection method: clinical testing. Allele origin: germline. Affected: yes.
Comment: Not observed at significant frequency in large population cohorts (gnomAD); In silico analysis supports that this missense variant has a deleterious effect on protein structure/function; Has not been previously published as pathogenic or benign to our knowledge.

NM_000557.5(GDF5):c.1074T>G (p.Ile358Met)

Genes: GDF5 (growth differentiation factor 5; minus strand), GDF5-AS1 (GDF5 antisense RNA 1; plus strand). Cytogenetic location: 20q11.22.
Variant type: single nucleotide variant.
Coding change: c.1074T>G on transcript NM_000557.5 (MANE Select); coding-DNA position 1074, T replaced by G.
Protein change: p.Ile358Met; replaces isoleucine 358 with methionine.
Molecular consequence: missense variant. On other transcripts: non-coding transcript variant (1).
Genome position (GRCh38, 1-based): chr20:35,434,341, A>C on the plus strand (T>G on the coding strand, the complement: GDF5 is on the minus strand). VCF-style: chr20-35434341-A-C. GRCh37 (hg19) VCF-style: chr20-34022139-A-C.
Other names: c.1074T>G, p.Ile358Met (NM_001319138.2); short protein forms I358M.
Identifiers: ClinVar variation 3573790 (VCV003573790.1).